The following is an entry in ClinVar:

NM_006580.4(CLDN16):c.100G>A (p.Asp34Asn)

Gene: CLDN16 (claudin 16; plus strand). Cytogenetic location: 3q28.
Variant type: single nucleotide variant.
Coding change: c.100G>A on transcript NM_006580.4 (MANE Select); coding-DNA position 100, G replaced by A.
Protein change: p.Asp34Asn; replaces aspartic acid 34 with asparagine.
Molecular consequence: missense variant.
Genome position (GRCh38, 1-based): chr3:190,388,429, G>A. VCF-style: chr3-190388429-G-A. GRCh37 (hg19) VCF-style: chr3-190106218-G-A.
Other names: c.100G>A, p.Asp34Asn (NM_001378492.1, NM_001378493.1); short protein forms D34N.
Identifiers: ClinVar variation 1312719 (VCV001312719.2), dbSNP rs753777323, ClinGen allele CA2753740.

ClinVar aggregate classification (germline): Uncertain significance (1 of 4 stars; one submission).

Allele frequency attached by ClinVar (database versions not stated): gnomAD exomes below 0.00001; TOPMed below 0.00001; ExAC 0.00001.
gnomAD v4.1: 1 of 1,613,998 alleles (0.000062%); highest among the groups gnomAD compares: Admixed American, 0.0017%; no homozygotes.

Submission:

GeneDx
Classification: Uncertain significance. Last evaluated: 2020-06-17. Review status: criteria provided, single submitter. Criteria: GeneDx Variant Classification Process June 2021. Collection method: clinical testing. Allele origin: germline. Affected: yes.
Comment: Not observed at a significant frequency in large population cohorts (Lek et al., 2016); In silico analysis supports that this missense variant has a deleterious effect on protein structure/function; Has not been previously published as pathogenic or benign to our knowledge